The following is an entry in ClinVar:

NM_032119.4(ADGRV1):c.13896A>G (p.Ile4632Met)

Gene: ADGRV1 (adhesion G protein-coupled receptor V1; plus strand). Cytogenetic location: 5q14.3.
Variant type: single nucleotide variant.
Coding change: c.13896A>G on transcript NM_032119.4 (MANE Select); coding-DNA position 13896, A replaced by G.
Protein change: p.Ile4632Met; replaces isoleucine 4632 with methionine.
Molecular consequence: missense variant. On other transcripts: non-coding transcript variant (1).
Genome position (GRCh38, 1-based): chr5:90,789,704, A>G. VCF-style: chr5-90789704-A-G. GRCh37 (hg19) VCF-style: chr5-90085521-A-G.
Other names: short protein forms I4632M.
Identifiers: ClinVar variation 1948514 (VCV001948514.3), dbSNP rs1304739086, ClinGen allele CA360398370.

ClinVar aggregate classification (germline): Uncertain significance. Review status: criteria provided, multiple submitters, no conflicts (2 of 4 stars). 2 submissions from 2 submitters: Uncertain significance (2). Last evaluated 2024-09-12.

Allele frequency attached by ClinVar (database versions not stated): gnomAD exomes below 0.00001.
gnomAD v4.1: 6 of 1,539,048 alleles (0.00039%); highest among the groups gnomAD compares: Admixed American, 0.0019%; no homozygotes.

Submissions (2):

Blueprint Genetics
Classification: Uncertain significance. Last evaluated: 2024-09-12. Review status: criteria provided, single submitter. Criteria: ACMG Guidelines, 2015. Collection method: clinical testing. Allele origin: germline.

Labcorp Genetics (formerly Invitae), Labcorp
Classification: Uncertain significance. Last evaluated: 2022-10-18. Review status: criteria provided, single submitter. Criteria: Invitae Variant Classification Sherloc (09022015). Collection method: clinical testing. Allele origin: germline.
Comment: This sequence change replaces isoleucine, which is neutral and non-polar, with methionine, which is neutral and non-polar, at codon 4632 of the ADGRV1 protein (p.Ile4632Met). This variant is not present in population databases (gnomAD no frequency). This missense change has been observed in individual(s) with retinitis pigmentosa (Invitae). Algorithms developed to predict the effect of missense changes on protein structure and function are either unavailable or do not agree on the potential impact of this missense change (SIFT: "Deleterious"; PolyPhen-2: "Probably Damaging"; Align-GVGD: "Class C0"). In summary, the available evidence is currently insufficient to determine the role of this variant in disease. Therefore, it has been classified as a Variant of Uncertain Significance.